The following is an entry in ClinVar:

ClinVar aggregate classification (germline): Likely benign. Review status: criteria provided, multiple submitters, no conflicts (2 of 4 stars). 2 submissions from 2 submitters: Likely benign (2). Last evaluated 2024-02-22.

Allele frequency attached by ClinVar (database versions not stated): gnomAD exomes 0.00001; TOPMed below 0.00001; ExAC 0.00002; ESP Exome Variant Server 0.00008.
gnomAD v4.1: 10 of 1,614,234 alleles (0.00062%); highest among the groups gnomAD compares: Non-Finnish European, 0.00085%; no homozygotes.

Submissions (2):

Labcorp Genetics (formerly Invitae), Labcorp
Classification: Likely benign. Last evaluated: 2024-02-22. Review status: criteria provided, single submitter. Criteria: Invitae Variant Classification Sherloc (09022015). Collection method: clinical testing. Allele origin: germline.

GeneDx
Classification: Likely benign. Last evaluated: 2017-05-24. Review status: criteria provided, single submitter. Criteria: GeneDx Variant Classification (06012015). Collection method: clinical testing. Allele origin: germline. Affected: yes.
Comment: This variant is considered likely benign or benign based on one or more of the following criteria: it is a conservative change, it occurs at a poorly conserved position in the protein, it is predicted to be benign by multiple in silico algorithms, and/or has population frequency not consistent with disease.

NM_018341.3(ERMARD):c.900T>C (p.Thr300=)

Gene: ERMARD (ER membrane associated RNA degradation; plus strand). Cytogenetic location: 6q27.
Variant type: single nucleotide variant.
Coding change: c.900T>C on transcript NM_018341.3 (MANE Select); coding-DNA position 900, T replaced by C.
Protein change: p.Thr300=; no amino-acid change (threonine 300 retained).
Molecular consequence: synonymous variant.
Genome position (GRCh38, 1-based): chr6:169,762,471, T>C. VCF-style: chr6-169762471-T-C. GRCh37 (hg19) VCF-style: chr6-170162567-T-C.
Other names: c.900T>C, p.Thr300= (NM_001278531.2, NM_001278533.2); c.522T>C, p.Thr174= (NM_001278532.2).
Identifiers: ClinVar variation 509740 (VCV000509740.10), dbSNP rs373839754, ClinGen allele CA4106043.